The following is an entry in ClinVar:

ClinVar aggregate classification (germline): Uncertain significance. Review status: criteria provided, multiple submitters, no conflicts (2 of 4 stars). 6 submissions from 6 submitters: Uncertain significance (5). 1 of the submissions does not count toward it. Last evaluated 2023-11-20.

Conditions:
Wilson disease (WND). Also called: Wilson's disease. Identifiers: Orphanet 905, MedGen C0019202, MONDO:0010200, OMIM 277900. Disease mechanism: loss of function.

Allele frequency attached by ClinVar (database versions not stated): gnomAD 0.00001; gnomAD exomes 0.00001.
gnomAD v4.1: 12 of 1,613,876 alleles (0.00074%); highest among the groups gnomAD compares: Non-Finnish European, 0.00093%; no homozygotes.

Submissions (6):

All of Us Research Program, National Institutes of Health
Classification: Uncertain significance for Wilson disease. Last evaluated: 2023-11-20. Review status: criteria provided, single submitter. Criteria: ACMG Guidelines, 2015. Collection method: clinical testing. Allele origin: germline. Inheritance: Autosomal recessive inheritance. Observed: 1 variant allele, 1 heterozygote.
Comment: This missense variant replaces threonine with proline at codon 933 of the ATP7B protein. Computational prediction is inconclusive regarding the impact of this variant on protein structure and function (internally defined REVEL score threshold 0.5 < inconclusive < 0.7, PMID: 27666373). To our knowledge, functional studies have not been reported for this variant. This variant has been reported in individuals affected with Wilson disease (PMID: 9671269, 23518715). This variant has not been identified in the general population by the Genome Aggregation Database (gnomAD). The available evidence is insufficient to determine the role of this variant in disease conclusively. Therefore, this variant is classified as a Variant of Uncertain Significance.

This study involves interpretation of variants in research participants for the purpose of population health screening. Participant phenotype was not available at the time of variant classification. Additional details can be found in publication PMID: 35346344, PMCID: PMC8962531

Color Diagnostics, LLC DBA Color Health
Classification: Uncertain significance for Wilson disease. Last evaluated: 2022-08-04. Review status: criteria provided, single submitter. Criteria: ACMG Guidelines, 2015. Collection method: clinical testing. Allele origin: germline.
Comment: This missense variant replaces threonine with proline at codon 933 of the ATP7B protein. Computational prediction is inconclusive regarding the impact of this variant on protein structure and function. To our knowledge, functional studies have not been reported for this variant. This variant has been reported in individuals affected with Wilson disease (PMID: 9671269, 23518715). This variant has not been identified in the general population by the Genome Aggregation Database (gnomAD). The available evidence is insufficient to determine the role of this variant in disease conclusively. Therefore, this variant is classified as a Variant of Uncertain Significance.

Fulgent Genetics
Classification: Uncertain significance for Wilson disease. Last evaluated: 2022-04-02. Review status: criteria provided, single submitter. Criteria: ACMG Guidelines, 2015. Collection method: clinical testing. Allele origin: unknown.

Genome-Nilou Lab
Classification: Uncertain significance for Wilson disease. Last evaluated: 2021-09-05. Review status: criteria provided, single submitter. Criteria: ACMG Guidelines, 2015. Collection method: clinical testing. Allele origin: germline. Affected: no.

Labcorp Genetics (formerly Invitae), Labcorp
Classification: Uncertain significance for Wilson disease. Last evaluated: 2021-08-29. Review status: criteria provided, single submitter. Criteria: Invitae Variant Classification Sherloc (09022015). Collection method: clinical testing. Allele origin: germline.
Comment: This sequence change replaces threonine with proline at codon 933 of the ATP7B protein (p.Thr933Pro). The threonine residue is moderately conserved and there is a small physicochemical difference between threonine and proline. This variant is not present in population databases (ExAC no frequency). This missense change has been observed in individual(s) with Wilson disease (PMID: 9671269, 23518715; Invitae). ClinVar contains an entry for this variant (Variation ID: 553038). Algorithms developed to predict the effect of missense changes on protein structure and function are either unavailable or do not agree on the potential impact of this missense change (SIFT: "Deleterious"; PolyPhen-2: "Probably Damaging"; Align-GVGD: "Class C0"). In summary, the available evidence is currently insufficient to determine the role of this variant in disease. Therefore, it has been classified as a Variant of Uncertain Significance.

Counsyl
Classification: Uncertain significance for Wilson disease. Last evaluated: 2017-08-04. Review status: no assertion criteria provided. Collection method: clinical testing. Allele origin: unknown. Not counted in ClinVar's aggregate classification.

Literature cited by the submitters: PubMed 9671269 (cited by 4 submitters); PubMed 23518715 (cited by 4 submitters); PubMed 24253677 (cited by Counsyl); PubMed 22692182 (cited by Counsyl).

NM_000053.4(ATP7B):c.2797A>C (p.Thr933Pro)

Gene: ATP7B (ATPase copper transporting beta; minus strand). Cytogenetic location: 13q14.3.
Variant type: single nucleotide variant.
Coding change: c.2797A>C on transcript NM_000053.4 (MANE Select); coding-DNA position 2797, A replaced by C.
Protein change: p.Thr933Pro; replaces threonine 933 with proline.
Molecular consequence: missense variant. On other transcripts: intron variant (1).
Genome position (GRCh38, 1-based): chr13:51,949,730, T>G on the plus strand (A>C on the coding strand, the complement: ATP7B is on the minus strand). VCF-style: chr13-51949730-T-G. GRCh37 (hg19) VCF-style: chr13-52523866-T-G.
Other names: c.2464A>C, p.Thr822Pro (NM_001243182.2); c.2563A>C, p.Thr855Pro (NM_001330578.2); c.2545A>C, p.Thr849Pro (NM_001330579.2); c.2244+277A>C (NM_001005918.3); short protein forms T933P, T855P, T822P, T849P.
Identifiers: ClinVar variation 553038 (VCV000553038.10), dbSNP rs1555288410, ClinGen allele CA388033626.
Genomic context (GRCh38, chr13:51,949,730, plus strand): 5'-ATCTCTGAACAACACCAAAATCGATAAAACCGATTACAATCCATACCACCAACGTCAAAG[T>G]TGACATGATGATGATAAATGGGACAAAATATCCACTAAACCGGTCAGCCAGCTGCTGAAT-3'
Protein context (NP_000044.2, residues 923-943): YFVPFIIIMS[Thr933Pro]LTLVVWIVIG